The following is an entry in ClinVar:

NM_001199397.3(NEK1):c.1560C>T (p.Asn520=)

Gene: NEK1 (NIMA related kinase 1; minus strand). Cytogenetic location: 4q33.
Variant type: single nucleotide variant.
Coding change: c.1560C>T on transcript NM_001199397.3 (MANE Select); coding-DNA position 1560, C replaced by T.
Protein change: p.Asn520=; no amino-acid change (asparagine 520 retained).
Molecular consequence: synonymous variant. On other transcripts: non-coding transcript variant (1), intron variant (3).
Genome position (GRCh38, 1-based): chr4:169,555,722, G>A on the plus strand (C>T on the coding strand, the complement: NEK1 is on the minus strand). VCF-style: chr4-169555722-G-A. GRCh37 (hg19) VCF-style: chr4-170476873-G-A.
Other names: c.1560C>T, p.Asn520= (NM_001374418.1, NM_001374419.1, NM_012224.4); c.1509C>T, p.Asn503= (NM_001374420.1); c.1434C>T, p.Asn478= (NM_001374421.1); c.1355+210C>T (NM_001199399.3); c.1430+210C>T (NM_001199398.3, NM_001199400.3).
Identifiers: ClinVar variation 3607041 (VCV003607041.2).

ClinVar aggregate classification (germline): Uncertain significance (1 of 4 stars; one submission).

Conditions:
Short-rib thoracic dysplasia 6 with or without polydactyly (SRTD6). Also called: SHORT RIB-POLYDACTYLY SYNDROME, TYPE IIA; Majewski Syndrome; SHORT-RIB THORACIC DYSPLASIA 6 WITH POLYDACTYLY; SHORT-RIB THORACIC DYSPLASIA 6 WITHOUT POLYDACTYLY; POLYDACTYLY WITH NEONATAL CHONDRODYSTROPHY, TYPE II. Identifiers: MedGen C0024507, MONDO:0009894, OMIM 263520.

Submission:

Labcorp Genetics (formerly Invitae), Labcorp
Classification: Uncertain significance for Short-rib thoracic dysplasia 6 with or without polydactyly. Last evaluated: 2025-01-12. Review status: criteria provided, single submitter. Criteria: Invitae Variant Classification Sherloc (09022015). Collection method: clinical testing. Allele origin: germline.
Comment: This sequence change affects codon 520 of the NEK1 mRNA. It is a 'silent' change, meaning that it does not change the encoded amino acid sequence of the NEK1 protein. This variant is not present in population databases (gnomAD no frequency). This variant has not been reported in the literature in individuals affected with NEK1-related conditions. Algorithms developed to predict the effect of sequence changes on RNA splicing suggest that this variant may disrupt the consensus splice site. In summary, the available evidence is currently insufficient to determine the role of this variant in disease. Therefore, it has been classified as a Variant of Uncertain Significance.